The following is an entry in ClinVar:

ClinVar aggregate classification (germline): Likely benign. Review status: criteria provided, multiple submitters, no conflicts (2 of 4 stars). 3 submissions from 3 submitters: Likely benign (3). Last evaluated 2024-01-04.

Conditions:
Charcot-Marie-Tooth disease axonal type 2O. Also called: CHARCOT-MARIE-TOOTH NEUROPATHY, AXONAL, TYPE 2O; CHARCOT-MARIE-TOOTH DISEASE, AXONAL, AUTOSOMAL DOMINANT, TYPE 2O; Charcot-Marie-Tooth Neuropathy Type 2O; Charcot-Marie-Tooth disease, axonal, type 20. Identifiers: Orphanet 284232, MedGen C3280220, MONDO:0013644, OMIM 614228.
Inborn genetic diseases. Identifiers: MedGen C0950123, MeSH D030342.

Allele frequency attached by ClinVar (database versions not stated): gnomAD exomes 0.00002; TOPMed 0.00002; ExAC 0.00003; gnomAD 0.00003; ESP Exome Variant Server 0.00015.
gnomAD v4.1: 34 of 1,613,914 alleles (0.0021%); highest among the groups gnomAD compares: African/African-American, 0.0067%; no homozygotes.

Submissions (3):

Labcorp Genetics (formerly Invitae), Labcorp
Classification: Likely benign for Charcot-Marie-Tooth disease axonal type 2O. Last evaluated: 2024-01-04. Review status: criteria provided, single submitter. Criteria: Invitae Variant Classification Sherloc (09022015). Collection method: clinical testing. Allele origin: germline.

CeGaT Center for Human Genetics Tuebingen
Classification: Likely benign. Last evaluated: 2022-04-01. Review status: criteria provided, single submitter. Criteria: CeGaT Center For Human Genetics Tuebingen Variant Classification Criteria Version 2. Collection method: clinical testing. Allele origin: germline. Affected: yes. Observed: 1 variant allele.
Comment: DYNC1H1: BP4, BP7

Ambry Genetics
Classification: Likely benign for Inborn genetic diseases. Last evaluated: 2018-04-03. Review status: criteria provided, single submitter. Criteria: Ambry Variant Classification Scheme 2023. Collection method: clinical testing. Allele origin: germline.

NM_001376.5(DYNC1H1):c.8292G>A (p.Thr2764=)

Gene: DYNC1H1 (dynein cytoplasmic 1 heavy chain 1; plus strand). Cytogenetic location: 14q32.31.
Variant type: single nucleotide variant.
Coding change: c.8292G>A on transcript NM_001376.5 (MANE Select); coding-DNA position 8292, G replaced by A.
Protein change: p.Thr2764=; no amino-acid change (threonine 2764 retained).
Molecular consequence: synonymous variant.
Genome position (GRCh38, 1-based): chr14:102,018,565, G>A. VCF-style: chr14-102018565-G-A. GRCh37 (hg19) VCF-style: chr14-102484902-G-A.
Identifiers: ClinVar variation 1536539 (VCV001536539.33), dbSNP rs376429387, ClinGen allele CA7352990.